The following is an entry in ClinVar:

ClinVar aggregate classification (germline): Uncertain significance. Review status: criteria provided, multiple submitters, no conflicts (2 of 4 stars). 2 submissions from 2 submitters: Uncertain significance (2). Last evaluated 2024-11-26.

Conditions:
Intellectual developmental disorder, autosomal dominant 1. Also called: MBD5 Haploinsufficiency; Intellectual disability, autosomal dominant 1. Identifiers: Orphanet 228402, MedGen C1969562, MONDO:0007974, OMIM 156200.

Submissions (2):

Labcorp Genetics (formerly Invitae), Labcorp
Classification: Uncertain significance for Intellectual developmental disorder, autosomal dominant 1. Last evaluated: 2024-11-26. Review status: criteria provided, single submitter. Criteria: Invitae Variant Classification Sherloc (09022015). Collection method: clinical testing. Allele origin: germline.
Comment: This variant, c.2523_2528del, results in the deletion of 2 amino acid(s) of the MBD5 protein (p.Ser842_Gly843del), but otherwise preserves the integrity of the reading frame. This variant is not present in population databases (gnomAD no frequency). This variant has not been reported in the literature in individuals affected with MBD5-related conditions. ClinVar contains an entry for this variant (Variation ID: 1327906). Experimental studies and prediction algorithms are not available or were not evaluated, and the functional significance of this variant is currently unknown. In summary, the available evidence is currently insufficient to determine the role of this variant in disease. Therefore, it has been classified as a Variant of Uncertain Significance.

GeneDx
Classification: Uncertain significance. Last evaluated: 2023-08-27. Review status: criteria provided, single submitter. Criteria: GeneDx Variant Classification Process June 2021. Collection method: clinical testing. Allele origin: germline. Affected: yes.
Comment: Not observed at significant frequency in large population cohorts (gnomAD); In-frame deletion of 2 amino acids in a non-repeat region; In silico analysis supports that this variant does not alter protein structure/function; Has not been previously published as pathogenic or benign to our knowledge

NM_001378120.1(MBD5):c.2523_2528del (p.Ser842_Gly843del)

Gene: MBD5 (methyl-CpG binding domain protein 5; plus strand). Cytogenetic location: 2q23.1.
Variant type: Deletion.
Coding change: c.2523_2528del on transcript NM_001378120.1 (MANE Select); coding-DNA positions 2523 to 2528, 6 bases deleted (TTCAGG; older notation c.2523_2528delTTCAGG).
Protein change: p.Ser842_Gly843del.
Molecular consequence: inframe deletion.
Genome position (GRCh38, 1-based): chr2:148,483,114-148,483,119, TTCAGG deleted; deleting any 6 consecutive bases within chr2:148,483,112-148,483,119 gives the same sequence; the c. name uses the placement nearest the transcript's 3' end. VCF-style (leftmost placement, unchanged base first): chr2-148483111-CGGTTCA-C. GRCh37 (hg19) VCF-style: chr2-149240680-CGGTTCA-C.
Other names: c.2523_2528del, p.Ser842_Gly843del (NM_018328.5).
Identifiers: ClinVar variation 1327906 (VCV001327906.12), dbSNP rs1681214533, ClinGen allele CA1037661531.